The following is an entry in ClinVar:

ClinVar aggregate classification (germline): Uncertain significance (1 of 4 stars; one submission).

Submission:

Ambry Genetics
Classification: Uncertain significance. Last evaluated: 2025-08-01. Review status: criteria provided, single submitter. Criteria: Ambry Variant Classification Scheme 2023. Collection method: clinical testing. Allele origin: germline.
Comment: The p.L1336P variant (also known as c.4007T>C), located in coding exon 9 of the MLH3 gene, results from a T to C substitution at nucleotide position 4007. The leucine at codon 1336 is replaced by proline, an amino acid with similar properties. This amino acid position is conserved. In addition, the in silico prediction for this alteration is inconclusive. Based on the available evidence, the clinical significance of this variant remains unclear.

NM_001040108.2(MLH3):c.4007T>C (p.Leu1336Pro)

Gene: MLH3 (mutL homolog 3; minus strand). Cytogenetic location: 14q24.3.
Variant type: single nucleotide variant.
Coding change: c.4007T>C on transcript NM_001040108.2 (MANE Select); coding-DNA position 4007, T replaced by C.
Protein change: p.Leu1336Pro; replaces leucine 1336 with proline.
Molecular consequence: missense variant.
Genome position (GRCh38, 1-based): chr14:75,022,999, A>G on the plus strand (T>C on the coding strand, the complement: MLH3 is on the minus strand). VCF-style: chr14-75022999-A-G. GRCh37 (hg19) VCF-style: chr14-75489702-A-G.
Other names: c.3935T>C, p.Leu1312Pro (NM_014381.3); short protein forms L1312P, L1336P.
Identifiers: ClinVar variation 4108653 (VCV004108653.1).